The following is an entry in ClinVar:

NM_000744.7(CHRNA4):c.1652C>T (p.Thr551Ile)

Gene: CHRNA4 (cholinergic receptor nicotinic alpha 4 subunit; minus strand). Cytogenetic location: 20q13.33.
Variant type: single nucleotide variant.
Coding change: c.1652C>T on transcript NM_000744.7 (MANE Select); coding-DNA position 1652, C replaced by T.
Protein change: p.Thr551Ile; replaces threonine 551 with isoleucine.
Molecular consequence: missense variant. On other transcripts: non-coding transcript variant (1).
Genome position (GRCh38, 1-based): chr20:63,349,759, G>A on the plus strand (C>T on the coding strand, the complement: CHRNA4 is on the minus strand). VCF-style: chr20-63349759-G-A. GRCh37 (hg19) VCF-style: chr20-61981111-G-A.
Other names: c.1124C>T, p.Thr375Ile (NM_001256573.2); short protein forms T551I, T375I.
Identifiers: ClinVar variation 955681 (VCV000955681.8), dbSNP rs79438238, ClinGen allele CA9957560.
Genomic context (GRCh38, chr20:63,349,759, plus strand): 5'-ACGCCCTCCACCGCCCGGGTCAGGGCCGGCGACAGGGGCAGGTGCGGGGGCGGCGCTTTG[G>A]TGCTGCGGGTCTTGACCGTGGCGCTCGGGGACACCGAAGAGGGCTCCTTCTTGCATGTGC-3'
Protein context (NP_000735.1, residues 541-561): SPSATVKTRS[Thr551Ile]KAPPPHLPLS

ClinVar aggregate classification (germline): Uncertain significance (1 of 4 stars; one submission).

Conditions:
Familial sleep-related hypermotor epilepsy. Also called: Autosomal Dominant Sleep-Related Hypermotor (Hyperkinetic) Epilepsy. Identifiers: Orphanet 98784, MedGen C3696898, MONDO:0000030.

Allele frequency attached by ClinVar (database versions not stated): ExAC 0.00001; gnomAD exomes 0.00001.
gnomAD v4.1: 9 of 1,611,966 alleles (0.00056%); highest among the groups gnomAD compares: Middle Eastern, 0.017%; no homozygotes.

Submission:

Labcorp Genetics (formerly Invitae), Labcorp
Classification: Uncertain significance. Last evaluated: 2023-10-13. Review status: criteria provided, single submitter. Criteria: Invitae Variant Classification Sherloc (09022015). Collection method: clinical testing. Allele origin: germline.
Comment: This sequence change replaces threonine, which is neutral and polar, with isoleucine, which is neutral and non-polar, at codon 551 of the CHRNA4 protein (p.Thr551Ile). This variant is present in population databases (rs79438238, gnomAD 0.005%). This missense change has been observed in individual(s) with clinical features of CHRNA4-related conditions (Invitae). ClinVar contains an entry for this variant (Variation ID: 955681). Advanced modeling of protein sequence and biophysical properties (such as structural, functional, and spatial information, amino acid conservation, physicochemical variation, residue mobility, and thermodynamic stability) performed at Invitae indicates that this missense variant is not expected to disrupt CHRNA4 protein function. In summary, the available evidence is currently insufficient to determine the role of this variant in disease. Therefore, it has been classified as a Variant of Uncertain Significance.